The following is an entry in ClinVar:

ClinVar aggregate classification (germline): Uncertain significance (1 of 4 stars; one submission).

Conditions:
Dilated cardiomyopathy 1W (CMD1W). Identifiers: Orphanet 154, MedGen C1969639, MONDO:0012667, OMIM 611407.

Submission:

Labcorp Genetics (formerly Invitae), Labcorp
Classification: Uncertain significance for Dilated cardiomyopathy 1W. Last evaluated: 2025-04-17. Review status: criteria provided, single submitter. Criteria: Invitae Variant Classification Sherloc (09022015). Collection method: clinical testing. Allele origin: germline.
Comment: This sequence change replaces serine, which is neutral and polar, with leucine, which is neutral and non-polar, at codon 820 of the VCL protein (p.Ser820Leu). This variant is not present in population databases (gnomAD no frequency). This variant has not been reported in the literature in individuals affected with VCL-related conditions. An algorithm developed to predict the effect of missense changes on protein structure and function (PolyPhen-2) suggests that this variant is likely to be disruptive. In summary, the available evidence is currently insufficient to determine the role of this variant in disease. Therefore, it has been classified as a Variant of Uncertain Significance.

NM_014000.3(VCL):c.2459C>T (p.Ser820Leu)

Gene: VCL (vinculin; plus strand). Cytogenetic location: 10q22.2.
Variant type: single nucleotide variant.
Coding change: c.2459C>T on transcript NM_014000.3 (MANE Select); coding-DNA position 2459, C replaced by T.
Protein change: p.Ser820Leu; replaces serine 820 with leucine.
Molecular consequence: missense variant.
Genome position (GRCh38, 1-based): chr10:74,107,254, C>T. VCF-style: chr10-74107254-C-T. GRCh37 (hg19) VCF-style: chr10-75867012-C-T.
Other names: c.2459C>T, p.Ser820Leu (NM_003373.4); short protein forms S820L.
Identifiers: ClinVar variation 4717617 (VCV004717617.1).
Genomic context (GRCh38, chr10:74,107,254, plus strand): 5'-CCCACCCAGCTGAAAGTGAGGATGTCTTGTGTTTAGGACTGCAAAAGAGCTTCCTGGACT[C>T]AGGATATCGGATCCTGGGAGCTGTGGCCAAGGTCAGAGAAGCCTTCCAACCTCAGGAGCC-3'
Protein context (NP_054706.1, residues 810-830): DPGLQKSFLD[Ser820Leu]GYRILGAVAK